The following is an entry in ClinVar:

NM_024642.5(GALNT12):c.328C>T (p.Arg110Cys)

Gene: GALNT12 (polypeptide N-acetylgalactosaminyltransferase 12; plus strand). Cytogenetic location: 9q22.33.
Variant type: single nucleotide variant.
Coding change: c.328C>T on transcript NM_024642.5 (MANE Select); coding-DNA position 328, C replaced by T.
Protein change: p.Arg110Cys; replaces arginine 110 with cysteine.
Molecular consequence: missense variant.
Genome position (GRCh38, 1-based): chr9:98,808,026, C>T. VCF-style: chr9-98808026-C-T. GRCh37 (hg19) VCF-style: chr9-101570308-C-T.
Other names: short protein forms R110C.
Identifiers: ClinVar variation 2586477 (VCV002586477.4), dbSNP rs1219900667, ClinGen allele CA374222987.

ClinVar aggregate classification (germline): Uncertain significance. Review status: criteria provided, multiple submitters, no conflicts (2 of 4 stars). 2 submissions from 2 submitters: Uncertain significance (2). Last evaluated 2025-10-22.

Conditions:
Colorectal cancer, susceptibility to, 1. Also called: COLORECTAL ADENOMA AND CANCER, SUSCEPTIBILITY TO; COLORECTAL CANCER, SUSCEPTIBILITY TO, ON CHROMOSOME 9. Identifiers: MedGen C1837315, MONDO:0012132, OMIM 608812.

Submissions (2):

Ambry Genetics
Classification: Uncertain significance. Last evaluated: 2025-10-22. Review status: criteria provided, single submitter. Criteria: Ambry Variant Classification Scheme 2023. Collection method: clinical testing. Allele origin: germline.
Comment: The p.R110C variant (also known as c.328C>T), located in coding exon 1 of the GALNT12 gene, results from a C to T substitution at nucleotide position 328. The arginine at codon 110 is replaced by cysteine, an amino acid with highly dissimilar properties. This amino acid position is conserved. In addition, this alteration is predicted to be tolerated by in silico analysis. Since supporting evidence is limited at this time, the clinical significance of this alteration remains unclear.

Baylor Genetics
Classification: Uncertain significance for Colorectal cancer, susceptibility to, 1. Last evaluated: 2023-08-24. Review status: criteria provided, single submitter. Criteria: ACMG Guidelines, 2015. Collection method: clinical testing. Allele origin: unknown.